The following is an entry in ClinVar:

NM_003072.5(SMARCA4):c.630G>A (p.Met210Ile)

Gene: SMARCA4 (SWI/SNF related BAF chromatin remodeling complex subunit ATPase 4; plus strand). Cytogenetic location: 19p13.2.
Variant type: single nucleotide variant.
Coding change: c.630G>A on transcript NM_003072.5 (MANE Select); coding-DNA position 630, G replaced by A.
Protein change: p.Met210Ile; replaces methionine 210 with isoleucine.
Molecular consequence: missense variant. On other transcripts: non-coding transcript variant (1).
Genome position (GRCh38, 1-based): chr19:10,986,463, G>A. VCF-style: chr19-10986463-G-A. GRCh37 (hg19) VCF-style: chr19-11097139-G-A.
Other names: c.630G>A, p.Met210Ile (NM_001128844.3, NM_001128845.2, NM_001128846.2 and 5 more transcripts); short protein forms M210I.
Identifiers: ClinVar variation 408706 (VCV000408706.9), dbSNP rs1043452739, ClinGen allele CA16616093.

ClinVar aggregate classification (germline): Uncertain significance (1 of 4 stars; one submission).

Conditions:
Rhabdoid tumor predisposition syndrome 2 (RTPS2). Identifiers: Orphanet 231108, Orphanet 69077, MedGen C2750074, MONDO:0013224, OMIM 613325.

Allele frequency attached by ClinVar (database versions not stated): TOPMed 0.00001.
gnomAD v4.1: 2 of 1,556,854 alleles (0.00013%); highest among the groups gnomAD compares: Non-Finnish European, 0.00017%; no homozygotes.

Submission:

Labcorp Genetics (formerly Invitae), Labcorp
Classification: Uncertain significance for Rhabdoid tumor predisposition syndrome 2. Last evaluated: 2025-05-01. Review status: criteria provided, single submitter. Criteria: Invitae Variant Classification Sherloc (09022015). Collection method: clinical testing. Allele origin: germline.
Comment: This sequence change replaces methionine, which is neutral and non-polar, with isoleucine, which is neutral and non-polar, at codon 210 of the SMARCA4 protein (p.Met210Ile). This variant is not present in population databases (gnomAD no frequency). This variant has not been reported in the literature in individuals affected with SMARCA4-related conditions. ClinVar contains an entry for this variant (Variation ID: 408706). Invitae Evidence Modeling of protein sequence and biophysical properties (such as structural, functional, and spatial information, amino acid conservation, physicochemical variation, residue mobility, and thermodynamic stability) indicates that this missense variant is not expected to disrupt SMARCA4 protein function with a negative predictive value of 95%. In summary, the available evidence is currently insufficient to determine the role of this variant in disease. Therefore, it has been classified as a Variant of Uncertain Significance.